The following is an entry in ClinVar:

ClinVar aggregate classification (germline): Conflicting classifications of pathogenicity. Review status: criteria provided, conflicting classifications (1 of 4 stars). 5 submissions from 5 submitters: Uncertain significance (2); Likely benign (2). 1 of the submissions does not count toward it. Last evaluated 2026-01-06.

Conditions:
ALG8-related disorder.
ALG8 congenital disorder of glycosylation. Also called: ALG8-CDG; CONGENITAL DISORDER OF GLYCOSYLATION, TYPE Ih; CDG Ih. Identifiers: Orphanet 79325, MedGen C2931002, MONDO:0011969, OMIM 608104.

Allele frequency attached by ClinVar (database versions not stated): gnomAD exomes 0.00006 and 0.00021; ExAC 0.00039; gnomAD 0.00059 and 0.00061; TOPMed 0.00076; ESP Exome Variant Server 0.00077; 1000 Genomes Project 0.00100; 1000 Genomes Project 30x 0.00109.
gnomAD v4.1: 174 of 1,599,238 alleles (0.011%); highest among the groups gnomAD compares: African/African-American, 0.2%; no homozygotes.

Submissions (5):

GeneDx
Classification: Uncertain significance. Last evaluated: 2026-01-06. Review status: criteria provided, single submitter. Criteria: GeneDx Variant Classification Process June 2021. Collection method: clinical testing. Allele origin: germline.
Comment: In silico analysis suggests that this missense variant does not alter protein structure/function; Has not been previously published as pathogenic or benign to our knowledge

CeGaT Center for Human Genetics Tuebingen
Classification: Likely benign. Last evaluated: 2025-12-01. Review status: criteria provided, single submitter. Criteria: CeGaT Center For Human Genetics Tuebingen Variant Classification Criteria Version 2. Collection method: clinical testing. Allele origin: germline. Affected: yes. Observed: 1 variant allele.
Comment: ALG8: BP4

Labcorp Genetics (formerly Invitae), Labcorp
Classification: Likely benign for ALG8 congenital disorder of glycosylation. Last evaluated: 2025-10-20. Review status: criteria provided, single submitter. Criteria: Invitae Variant Classification Sherloc (09022015). Collection method: clinical testing. Allele origin: germline.

Blueprint Genetics
Classification: Uncertain significance. Last evaluated: 2023-07-17. Review status: criteria provided, single submitter. Criteria: ACMG Guidelines, 2015. Collection method: clinical testing. Allele origin: germline.

PreventionGenetics, part of Exact Sciences
Classification: Likely benign for ALG8-related condition. Last evaluated: 2024-07-17. Review status: no assertion criteria provided. Collection method: clinical testing. Allele origin: germline. Not counted in ClinVar's aggregate classification.
Comment: This variant is classified as likely benign based on ACMG/AMP sequence variant interpretation guidelines (Richards et al. 2015 PMID: 25741868, with internal and published modifications).

NM_024079.5(ALG8):c.682A>G (p.Ile228Val)

Gene: ALG8 (ALG8 alpha-1,3-glucosyltransferase; minus strand). Cytogenetic location: 11q14.1.
Variant type: single nucleotide variant.
Coding change: c.682A>G on transcript NM_024079.5 (MANE Select); coding-DNA position 682, A replaced by G.
Protein change: p.Ile228Val; replaces isoleucine 228 with valine.
Molecular consequence: missense variant.
Genome position (GRCh38, 1-based): chr11:78,113,981, T>C on the plus strand (A>G on the coding strand, the complement: ALG8 is on the minus strand). VCF-style: chr11-78113981-T-C. GRCh37 (hg19) VCF-style: chr11-77825027-T-C.
Other names: c.682A>G, p.Ile228Val (NM_001007027.3); short protein forms I228V.
Identifiers: ClinVar variation 707633 (VCV000707633.18), dbSNP rs150736564, ClinGen allele CA6203370.
Genomic context (GRCh38, chr11:78,113,981, plus strand): 5'-CTAAGAAAACAACCAGTCCCAGGGAAATAACACGAACAAAGCTGAAACTCTTCCATCGAA[T>C]AGACCCATCTACAGAAAAGGAACATTATCAGTAACCAGGAAGATGGAAAGGAACATTAAC-3'
Protein context (NP_076984.2, residues 218-238): CFTANKPDGS[Ile228Val]RWKSFSFVRV